The following is an entry in ClinVar:

ClinVar aggregate classification (germline): Uncertain significance. Review status: criteria provided, multiple submitters, no conflicts (2 of 4 stars). 2 submissions from 2 submitters: Uncertain significance (2). Last evaluated 2025-06-19.

Allele frequency attached by ClinVar (database versions not stated): gnomAD exomes 0.00001.
gnomAD v4.1: 12 of 1,538,944 alleles (0.00078%); highest among the groups gnomAD compares: Non-Finnish European, 0.00096%; no homozygotes.

Submissions (2):

Labcorp Genetics (formerly Invitae), Labcorp
Classification: Uncertain significance. Last evaluated: 2025-06-19. Review status: criteria provided, single submitter. Criteria: Invitae Variant Classification Sherloc (09022015). Collection method: clinical testing. Allele origin: germline.
Comment: This sequence change replaces glycine, which is neutral and non-polar, with serine, which is neutral and polar, at codon 1023 of the TAOK2 protein (p.Gly1023Ser). This variant is not present in population databases (gnomAD no frequency). This variant has not been reported in the literature in individuals affected with TAOK2-related conditions. ClinVar contains an entry for this variant (Variation ID: 3173793). An algorithm developed to predict the effect of missense changes on protein structure and function (PolyPhen-2) suggests that this variant is likely to be disruptive. In summary, the available evidence is currently insufficient to determine the role of this variant in disease. Therefore, it has been classified as a Variant of Uncertain Significance.

Ambry Genetics
Classification: Uncertain significance. Last evaluated: 2024-02-05. Review status: criteria provided, single submitter. Criteria: Ambry Variant Classification Scheme 2023. Collection method: clinical testing. Allele origin: germline.

NM_016151.4(TAOK2):c.3067G>A (p.Gly1023Ser)

Gene: TAOK2 (TAO kinase 2; plus strand). Cytogenetic location: 16p11.2.
Variant type: single nucleotide variant.
Coding change: c.3067G>A on transcript NM_016151.4 (MANE Select); coding-DNA position 3067, G replaced by A.
Protein change: p.Gly1023Ser; replaces glycine 1023 with serine.
Molecular consequence: missense variant. On other transcripts: intron variant (1).
Genome position (GRCh38, 1-based): chr16:29,987,339, G>A. VCF-style: chr16-29987339-G-A. GRCh37 (hg19) VCF-style: chr16-29998660-G-A.
Other names: c.2728G>A, p.Gly910Ser (NM_001252043.2); c.2232+835G>A (NM_004783.4); short protein forms G910S, G1023S.
Identifiers: ClinVar variation 3173793 (VCV003173793.2), dbSNP rs1048258295, ClinGen allele CA280400516.
Genomic context (GRCh38, chr16:29,987,339, plus strand): 5'-TACCTGCTCCTTTGTACAGCCCTGCACCTGCCCTCCAGTCTTTTCCTACTCCTGGCCCAG[G>A]GTACCGCACTGGGGGCCGTCCTGGGCCTGAGCTGGCGCCGAGGCCTCATGGGTGTTCCCC-3'
Protein context (NP_057235.2, residues 1013-1033): PSSLFLLLAQ[Gly1023Ser]TALGAVLGLS